The following is an entry in ClinVar:

ClinVar aggregate classification (germline): Uncertain significance (1 of 4 stars; one submission).

Conditions:
Werner syndrome (WRN). Identifiers: Orphanet 902, MedGen C0043119, MONDO:0010196, OMIM 277700.

Submission:

Labcorp Genetics (formerly Invitae), Labcorp
Classification: Uncertain significance for Werner syndrome. Last evaluated: 2023-05-19. Review status: criteria provided, single submitter. Criteria: Invitae Variant Classification Sherloc (09022015). Collection method: clinical testing. Allele origin: germline.
Comment: In summary, the available evidence is currently insufficient to determine the role of this variant in disease. Therefore, it has been classified as a Variant of Uncertain Significance. An algorithm developed to predict the effect of missense changes on protein structure and function (PolyPhen-2) suggests that this variant is likely to be tolerated. This variant has not been reported in the literature in individuals affected with WRN-related conditions. This variant is not present in population databases (gnomAD no frequency). This sequence change replaces aspartic acid, which is acidic and polar, with valine, which is neutral and non-polar, at codon 372 of the WRN protein (p.Asp372Val).

NM_000553.6(WRN):c.1115A>T (p.Asp372Val)

Gene: WRN (WRN RecQ like helicase; plus strand). Cytogenetic location: 8p12.
Variant type: single nucleotide variant.
Coding change: c.1115A>T on transcript NM_000553.6 (MANE Select); coding-DNA position 1115, A replaced by T.
Protein change: p.Asp372Val; replaces aspartic acid 372 with valine.
Molecular consequence: missense variant.
Genome position (GRCh38, 1-based): chr8:31,081,142, A>T. VCF-style: chr8-31081142-A-T. GRCh37 (hg19) VCF-style: chr8-30938658-A-T.
Other names: short protein forms D372V.
Identifiers: ClinVar variation 2808915 (VCV002808915.3), dbSNP rs1332647689, ClinGen allele CA370920810.
Genomic context (GRCh38, chr8:31,081,142, plus strand): 5'-ATCATTTAGCTAAACATGATGGAGAAGATGTACTTGGAAATAAAGTGGAACGAAAAGAAG[A>T]TGGATTTGAAGATGGAGTAGAAGACAACAAATTGAAAGAGAATATGGAAAGAGCTTGTTT-3'
Protein context (NP_000544.2, residues 362-382): VLGNKVERKE[Asp372Val]GFEDGVEDNK